The following is an entry in ClinVar:

ClinVar aggregate classification (germline): Uncertain significance. Review status: criteria provided, multiple submitters, no conflicts (2 of 4 stars). 3 submissions from 3 submitters: Uncertain significance (3). Last evaluated 2025-10-23.

Conditions:
Hereditary cancer-predisposing syndrome. Also called: Hereditary neoplastic syndrome; Neoplastic Syndromes, Hereditary; Tumor predisposition; Hereditary Cancer Syndrome. Identifiers: Orphanet 140162, MedGen C0027672, MeSH D009386, MONDO:0015356.
Familial cancer of breast. Also called: BREAST CANCER, FAMILIAL; Hereditary breast cancer; hereditary breast carcinoma. Identifiers: Orphanet 227535, MedGen C0346153, MONDO:0016419, OMIM 114480. Disease mechanism: loss of function.

Allele frequency attached by ClinVar (database versions not stated): TOPMed 0.00001.

Submissions (3):

Ambry Genetics
Classification: Uncertain significance for Hereditary cancer-predisposing syndrome. Last evaluated: 2025-10-23. Review status: criteria provided, single submitter. Criteria: Ambry Variant Classification Scheme 2023. Collection method: clinical testing. Allele origin: germline.
Comment: The p.T534P variant (also known as c.1600A>C), located in coding exon 7 of the BARD1 gene, results from an A to C substitution at nucleotide position 1600. The threonine at codon 534 is replaced by proline, an amino acid with highly similar properties. This amino acid position is not well conserved in available vertebrate species. In addition, the in silico prediction for this alteration is inconclusive. Since supporting evidence is limited at this time, the clinical significance of this alteration remains unclear.

GeneDx
Classification: Uncertain significance. Last evaluated: 2023-09-05. Review status: criteria provided, single submitter. Criteria: GeneDx Variant Classification Process June 2021. Collection method: clinical testing. Allele origin: germline. Affected: yes.
Comment: Not observed at significant frequency in large population cohorts (gnomAD); In silico analysis supports that this missense variant does not alter protein structure/function; Has not been previously published as pathogenic or benign to our knowledge

Labcorp Genetics (formerly Invitae), Labcorp
Classification: Uncertain significance for Familial cancer of breast. Last evaluated: 2023-03-29. Review status: criteria provided, single submitter. Criteria: Invitae Variant Classification Sherloc (09022015). Collection method: clinical testing. Allele origin: germline.
Comment: In summary, the available evidence is currently insufficient to determine the role of this variant in disease. Therefore, it has been classified as a Variant of Uncertain Significance. An algorithm developed to predict the effect of missense changes on protein structure and function (PolyPhen-2) suggests that this variant is likely to be disruptive. ClinVar contains an entry for this variant (Variation ID: 185567). This variant has not been reported in the literature in individuals affected with BARD1-related conditions. This variant is not present in population databases (gnomAD no frequency). This sequence change replaces threonine, which is neutral and polar, with proline, which is neutral and non-polar, at codon 534 of the BARD1 protein (p.Thr534Pro).

NM_000465.4(BARD1):c.1600A>C (p.Thr534Pro)

Gene: BARD1 (BRCA1 associated RING domain 1; minus strand). Cytogenetic location: 2q35.
Variant type: single nucleotide variant.
Coding change: c.1600A>C on transcript NM_000465.4 (MANE Select); coding-DNA position 1600, A replaced by C.
Protein change: p.Thr534Pro; replaces threonine 534 with proline.
Molecular consequence: missense variant. On other transcripts: non-coding transcript variant (3), intron variant (1).
Genome position (GRCh38, 1-based): chr2:214,752,524, T>G on the plus strand (A>C on the coding strand, the complement: BARD1 is on the minus strand). VCF-style: chr2-214752524-T-G. GRCh37 (hg19) VCF-style: chr2-215617248-T-G.
Other names: c.1543A>C, p.Thr515Pro (NM_001282543.2); c.247A>C, p.Thr83Pro (NM_001282545.2); c.190A>C, p.Thr64Pro (NM_001282548.2); c.365-22016A>C (NM_001282549.2); short protein forms T534P, T515P, T83P, T64P.
Identifiers: ClinVar variation 185567 (VCV000185567.17), dbSNP rs786202280, ClinGen allele CA192288.